The following is an entry in ClinVar:

ClinVar aggregate classification (germline): Uncertain significance. Review status: criteria provided, multiple submitters, no conflicts (2 of 4 stars). 2 submissions from 2 submitters: Uncertain significance (2). Last evaluated 2025-08-01.

Conditions:
Inborn genetic diseases. Identifiers: MedGen C0950123, MeSH D030342.

Allele frequency attached by ClinVar (database versions not stated): ExAC 0.00002; gnomAD exomes 0.00002; gnomAD 0.00025; TOPMed 0.00055; 1000 Genomes Project 0.00060; 1000 Genomes Project 30x 0.00078.
gnomAD v4.1: 58 of 1,614,082 alleles (0.0036%); highest among the groups gnomAD compares: Admixed American, 0.078%; no homozygotes.

Submissions (2):

Ambry Genetics
Classification: Uncertain significance for Inborn genetic diseases. Last evaluated: 2025-08-01. Review status: criteria provided, single submitter. Criteria: Ambry Variant Classification Scheme 2023. Collection method: clinical testing. Allele origin: germline.

Labcorp Genetics (formerly Invitae), Labcorp
Classification: Uncertain significance. Last evaluated: 2021-09-01. Review status: criteria provided, single submitter. Criteria: Invitae Variant Classification Sherloc (09022015). Collection method: clinical testing. Allele origin: germline.
Comment: This sequence change replaces serine with asparagine at codon 145 of the MAPKBP1 protein (p.Ser145Asn). The serine residue is moderately conserved and there is a small physicochemical difference between serine and asparagine. This variant is present in population databases (rs201007436, ExAC 0.009%). This variant has not been reported in the literature in individuals affected with MAPKBP1-related conditions. Algorithms developed to predict the effect of missense changes on protein structure and function (SIFT, PolyPhen-2, Align-GVGD) all suggest that this variant is likely to be tolerated. In summary, the available evidence is currently insufficient to determine the role of this variant in disease. Therefore, it has been classified as a Variant of Uncertain Significance.

NM_014994.3(MAPKBP1):c.434G>A (p.Ser145Asn)

Gene: MAPKBP1 (mitogen-activated protein kinase binding protein 1; plus strand). Cytogenetic location: 15q15.1.
Variant type: single nucleotide variant.
Coding change: c.434G>A on transcript NM_014994.3 (MANE Select); coding-DNA position 434, G replaced by A.
Protein change: p.Ser145Asn; replaces serine 145 with asparagine.
Molecular consequence: missense variant. On other transcripts: non-coding transcript variant (2).
Genome position (GRCh38, 1-based): chr15:41,812,063, G>A. VCF-style: chr15-41812063-G-A. GRCh37 (hg19) VCF-style: chr15-42104261-G-A.
Other names: c.434G>A, p.Ser145Asn (NM_001128608.2, NM_001265611.2); c.434G>A (NM_001128608.1); short protein forms S145N.
Identifiers: ClinVar variation 1371459 (VCV001371459.7), dbSNP rs201007436, ClinGen allele CA7497558.